The following is an entry in ClinVar:

NM_000406.3(GNRHR):c.633T>A (p.Tyr211Ter)

Gene: GNRHR (gonadotropin releasing hormone receptor; minus strand). Cytogenetic location: 4q13.2.
Variant type: single nucleotide variant.
Coding change: c.633T>A on transcript NM_000406.3 (MANE Select); coding-DNA position 633, T replaced by A.
Protein change: p.Tyr211Ter; replaces tyrosine 211 with a stop codon.
Molecular consequence: nonsense. On other transcripts: intron variant (1).
Genome position (GRCh38, 1-based): chr4:67,744,677, A>T on the plus strand (T>A on the coding strand, the complement: GNRHR is on the minus strand). VCF-style: chr4-67744677-A-T. GRCh37 (hg19) VCF-style: chr4-68610395-A-T.
Other names: c.523-18T>A (NM_001012763.2); short protein forms Y211*.
Identifiers: ClinVar variation 379859 (VCV000379859.1), dbSNP rs1057520762, ClinGen allele CA16604625.

ClinVar aggregate classification (germline): Pathogenic (1 of 4 stars; one submission).

Submission:

GeneDx
Classification: Pathogenic. Last evaluated: 2015-07-17. Review status: criteria provided, single submitter. Criteria: GeneDx Variant Classification (06012015). Collection method: clinical testing. Allele origin: germline. Affected: yes.
Comment: To our knowledge, the Y211X variant has not been published as a pathogenic variant, nor has it been reported as a benign polymorphism. The Y211X nonsense variant in the GNRHR gene is predicted to cause loss of normal protein function either through protein truncation or nonsense-mediated mRNA decay. It was not observed in approximately 6,500 individuals of European and African American ancestry in the NHLBI Exome Sequencing Project, indicating it is not a common benign variant in these populations. Therefore, we consider this variant to be pathogenic.